The following is an entry in ClinVar:

NM_033395.2(CEP295):c.707G>A (p.Arg236Gln)

Gene: CEP295 (centrosomal protein 295; plus strand). Cytogenetic location: 11q21.
Variant type: single nucleotide variant.
Coding change: c.707G>A on transcript NM_033395.2 (MANE Select); coding-DNA position 707, G replaced by A.
Protein change: p.Arg236Gln; replaces arginine 236 with glutamine.
Molecular consequence: missense variant.
Genome position (GRCh38, 1-based): chr11:93,679,494, G>A. VCF-style: chr11-93679494-G-A. GRCh37 (hg19) VCF-style: chr11-93412660-G-A.
Other names: short protein forms R236Q.
Identifiers: ClinVar variation 4987783 (VCV004987783.1).
Genomic context (GRCh38, chr11:93,679,494, plus strand): 5'-AAGAGGAAGCTAAACGATTGGAAGAACTACAAAAACAGGCAGCACAAGAGAGAATGGAAC[G>A]GTTTGAAAAGGCACATGTACGGGGATTCCAAGCAATGAAGAAGATCCATTTGGCTCAAGT-3'
Protein context (NP_203753.1, residues 226-246): QKQAAQERME[Arg236Gln]FEKAHVRGFQ

ClinVar aggregate classification (germline): Uncertain significance (1 of 4 stars; one submission).

Conditions:
CEP295-related condition.

gnomAD v4.1: 35 of 1,551,300 alleles (0.0023%); highest among the groups gnomAD compares: Middle Eastern, 0.017%; no homozygotes.

Submission:

PreventionGenetics, part of Exact Sciences
Classification: Uncertain significance for CEP295-related condition. Last evaluated: 2026-09-11. Review status: criteria provided, single submitter. Criteria: ACMG Guidelines, 2015. Collection method: clinical testing. Allele origin: germline.
Comment: The CEP295 c.707G>A variant is predicted to result in the amino acid substitution p.Arg236Gln. To our knowledge, this variant has not been reported in the literature. This variant is reported in 0.0066% of alleles in individuals of European (Non-Finnish) descent in gnomAD. At this time, the clinical significance of this variant is uncertain due to the absence of conclusive functional and genetic evidence.